The following is an entry in ClinVar:

ClinVar aggregate classification (germline): Uncertain significance. Review status: criteria provided, multiple submitters, no conflicts (2 of 4 stars). 2 submissions from 2 submitters: Uncertain significance (2). Last evaluated 2025-11-14.

Conditions:
Hereditary nonpolyposis colorectal neoplasms. Identifiers: MedGen C0009405, MeSH D003123.
Hereditary cancer-predisposing syndrome. Also called: Tumor predisposition; Hereditary Cancer Syndrome; Neoplastic Syndromes, Hereditary; Hereditary neoplastic syndrome. Identifiers: Orphanet 140162, MedGen C0027672, MeSH D009386, MONDO:0015356.

Submissions (2):

Ambry Genetics
Classification: Uncertain significance for Hereditary cancer-predisposing syndrome. Last evaluated: 2025-11-14. Review status: criteria provided, single submitter. Criteria: Ambry Variant Classification Scheme 2023. Collection method: clinical testing. Allele origin: germline.
Comment: The p.G1069A variant (also known as c.3206G>C), located in coding exon 5 of the MSH6 gene, results from a G to C substitution at nucleotide position 3206. The glycine at codon 1069 is replaced by alanine, an amino acid with similar properties. This amino acid position is well conserved in available vertebrate species. In addition, the in silico prediction for this alteration is inconclusive. Based on the available evidence, the clinical significance of this variant remains unclear.

Labcorp Genetics (formerly Invitae), Labcorp
Classification: Uncertain significance for Hereditary nonpolyposis colorectal neoplasms. Last evaluated: 2019-07-30. Review status: criteria provided, single submitter. Criteria: Invitae Variant Classification Sherloc (09022015). Collection method: clinical testing. Allele origin: germline.
Comment: In summary, the available evidence is currently insufficient to determine the role of this variant in disease. Therefore, it has been classified as a Variant of Uncertain Significance. Algorithms developed to predict the effect of missense changes on protein structure and function are either unavailable or do not agree on the potential impact of this missense change (SIFT: "Tolerated"; PolyPhen-2: "Probably Damaging"; Align-GVGD: "Class C0"). This variant has not been reported in the literature in individuals with MSH6-related conditions. This variant is not present in population databases (ExAC no frequency). This sequence change replaces glycine with alanine at codon 1069 of the MSH6 protein (p.Gly1069Ala). The glycine residue is moderately conserved and there is a small physicochemical difference between glycine and alanine.

NM_000179.3(MSH6):c.3206G>C (p.Gly1069Ala)

Gene: MSH6 (mutS homolog 6; plus strand). Cytogenetic location: 2p16.3.
Variant type: single nucleotide variant.
Coding change: c.3206G>C on transcript NM_000179.3 (MANE Select); coding-DNA position 3206, G replaced by C.
Protein change: p.Gly1069Ala; replaces glycine 1069 with alanine.
Molecular consequence: missense variant.
Genome position (GRCh38, 1-based): chr2:47,803,453, G>C. VCF-style: chr2-47803453-G-C. GRCh37 (hg19) VCF-style: chr2-48030592-G-C.
Other names: c.2816G>C, p.Gly939Ala (NM_001281492.2); c.2300G>C, p.Gly767Ala (NM_001281493.2, NM_001281494.2); short protein forms G767A, G1069A, G939A.
Identifiers: ClinVar variation 823186 (VCV000823186.15), dbSNP rs63750784, ClinGen allele CA346757902.
Genomic context (GRCh38, chr2:47,803,453, plus strand): 5'-CCTCACTTTTACCCTCTCTTTTAACAGATGTTTTACTGTGCCTGGCTAACTATAGTCGAG[G>C]GGGTGATGGTCCTATGTGTCGCCCAGTAATTCTGTTGCCGGAAGATACCCCCCCCTTCTT-3'
Protein context (NP_000170.1, residues 1059-1079): VLLCLANYSR[Gly1069Ala]GDGPMCRPVI